The following is an entry in ClinVar:

ClinVar aggregate classification (germline): Likely benign (1 of 4 stars; one submission).

Conditions:
LTBP2-related disorder. Also called: LTBP2-related condition; LTBP2-related disorders.

Submission:

PreventionGenetics, part of Exact Sciences
Classification: Likely benign for LTBP2-related condition. Last evaluated: 2025-02-10. Review status: criteria provided, single submitter. Criteria: ACMG Guidelines, 2015. Collection method: clinical testing. Allele origin: germline.
Comment: This variant is classified as likely benign based on ACMG/AMP sequence variant interpretation guidelines (Richards et al. 2015 PMID: 25741868, with internal and published modifications).

NM_000428.3(LTBP2):c.1400-9T>C

Gene: LTBP2 (latent transforming growth factor beta binding protein 2; minus strand). Cytogenetic location: 14q24.3.
Variant type: single nucleotide variant.
Coding change: c.1400-9T>C on transcript NM_000428.3 (MANE Select); 9 bases into the intron before coding-DNA position 1400, T replaced by C.
Molecular consequence: intron variant.
Genome position (GRCh38, 1-based): chr14:74,551,359, A>G on the plus strand (T>C on the coding strand, the complement: LTBP2 is on the minus strand). VCF-style: chr14-74551359-A-G. GRCh37 (hg19) VCF-style: chr14-75018062-A-G.
Identifiers: ClinVar variation 4999429 (VCV004999429.1).